The following is an entry in ClinVar:

NM_001166108.2(PALLD):c.3050T>C (p.Val1017Ala)

Genes: PALLD (palladin, cytoskeletal associated protein; plus strand), CBR4 (carbonyl reductase 4; minus strand). Cytogenetic location: 4q32.3.
Variant type: single nucleotide variant.
Coding change: c.3050T>C on transcript NM_001166108.2 (MANE Select); coding-DNA position 3050, T replaced by C.
Protein change: p.Val1017Ala; replaces valine 1017 with alanine.
Molecular consequence: missense variant.
Genome position (GRCh38, 1-based): chr4:168,921,733, T>C. VCF-style: chr4-168921733-T-C. GRCh37 (hg19) VCF-style: chr4-169842884-T-C.
Other names: c.1853T>C, p.Val618Ala (NM_001166109.2); c.1538T>C, p.Val513Ala (NM_001166110.2); c.878T>C, p.Val293Ala (NM_001367567.1, NM_001367569.1); c.929T>C, p.Val310Ala (NM_001367568.1, NM_001367570.1); c.2999T>C, p.Val1000Ala (NM_016081.4); short protein forms V513A, V1000A, V618A, V293A, V1017A, V310A.
Identifiers: ClinVar variation 580068 (VCV000580068.10), dbSNP rs1560929667, ClinGen allele CA358709889.

ClinVar aggregate classification (germline): Uncertain significance. Review status: criteria provided, multiple submitters, no conflicts (2 of 4 stars). 3 submissions from 3 submitters: Uncertain significance (3). Last evaluated 2025-07-28.

Conditions:
Pancreatic adenocarcinoma. Identifiers: MedGen C0281361, MONDO:0006047, HP:0006725.
Pancreatic cancer, susceptibility to, 1. Identifiers: Orphanet 1333, MedGen C1847351, MONDO:0011739, OMIM 606856.

gnomAD v4.1: 1 of 1,611,180 alleles (0.000062%); no homozygotes.

Submissions (3):

Labcorp Genetics (formerly Invitae), Labcorp
Classification: Uncertain significance for Pancreatic adenocarcinoma. Last evaluated: 2025-07-28. Review status: criteria provided, single submitter. Criteria: Invitae Variant Classification Sherloc (09022015). Collection method: clinical testing. Allele origin: germline.
Comment: This sequence change replaces valine, which is neutral and non-polar, with alanine, which is neutral and non-polar, at codon 513 of the PALLD protein (p.Val513Ala). This variant is not present in population databases (gnomAD no frequency). This variant has not been reported in the literature in individuals affected with PALLD-related conditions. ClinVar contains an entry for this variant (Variation ID: 580068). An algorithm developed to predict the effect of missense changes on protein structure and function (PolyPhen-2) suggests that this variant is likely to be tolerated. In summary, the available evidence is currently insufficient to determine the role of this variant in disease. Therefore, it has been classified as a Variant of Uncertain Significance.

Ambry Genetics
Classification: Uncertain significance. Last evaluated: 2024-12-08. Review status: criteria provided, single submitter. Criteria: Ambry Variant Classification Scheme 2023. Collection method: clinical testing. Allele origin: germline.
Comment: The p.V513A variant (also known as c.1538T>C), located in coding exon 8 of the PALLD gene, results from a T to C substitution at nucleotide position 1538. The valine at codon 513 is replaced by alanine, an amino acid with similar properties. This amino acid position is conserved. In addition, this alteration is predicted to be tolerated by in silico analysis. Based on the available evidence, the clinical significance of this variant remains unclear.

Fulgent Genetics
Classification: Uncertain significance for Pancreatic cancer, susceptibility to, 1. Last evaluated: 2024-04-12. Review status: criteria provided, single submitter. Criteria: ACMG Guidelines, 2015. Collection method: clinical testing. Allele origin: germline.